The following is an entry in ClinVar:

NM_007078.3(LDB3):c.721A>G (p.Ser241Gly)

Gene: LDB3 (LIM domain binding 3; plus strand). Cytogenetic location: 10q23.2.
Variant type: single nucleotide variant.
Coding change: c.721A>G on transcript NM_007078.3 (MANE Select); coding-DNA position 721, A replaced by G.
Protein change: p.Ser241Gly; replaces serine 241 with glycine.
Molecular consequence: missense variant.
Genome position (GRCh38, 1-based): chr10:86,691,927, A>G. VCF-style: chr10-86691927-A-G. GRCh37 (hg19) VCF-style: chr10-88451684-A-G.
Other names: c.580A>G, p.Ser194Gly (NM_001080114.2, NM_001080116.1, NM_001368066.1 and 2 more transcripts); c.721A>G, p.Ser241Gly (NM_001080115.2, NM_001368063.1, NM_001368064.1 and 1 more transcripts); c.925A>G, p.Ser309Gly (NM_001171610.2, NM_001171611.2); short protein forms S309G, S194G, S241G.
Identifiers: ClinVar variation 1898458 (VCV001898458.5), dbSNP rs1176330169, ClinGen allele CA377442892.

ClinVar aggregate classification (germline): Uncertain significance (1 of 4 stars; one submission).

Conditions:
Myofibrillar myopathy 4. Also called: Zaspopathy (type). Identifiers: Orphanet 98912, MedGen C4721886, MONDO:0012277, OMIM 609452.

Allele frequency attached by ClinVar (database versions not stated): gnomAD exomes below 0.00001.
gnomAD v4.1: 1 of 1,614,160 alleles (0.000062%); highest among the groups gnomAD compares: Non-Finnish European, 0.000085%; no homozygotes.

Submission:

Labcorp Genetics (formerly Invitae), Labcorp
Classification: Uncertain significance for Myofibrillar myopathy 4. Last evaluated: 2022-03-08. Review status: criteria provided, single submitter. Criteria: Invitae Variant Classification Sherloc (09022015). Collection method: clinical testing. Allele origin: germline.
Comment: This sequence change replaces serine, which is neutral and polar, with glycine, which is neutral and non-polar, at codon 194 of the LDB3 protein (p.Ser194Gly). This variant is present in population databases (no rsID available, gnomAD 0.0009%). This variant has not been reported in the literature in individuals affected with LDB3-related conditions. Algorithms developed to predict the effect of missense changes on protein structure and function are either unavailable or do not agree on the potential impact of this missense change (SIFT: "Tolerated"; PolyPhen-2: "Possibly Damaging"; Align-GVGD: "Class C0"). In summary, the available evidence is currently insufficient to determine the role of this variant in disease. Therefore, it has been classified as a Variant of Uncertain Significance.